The following is an entry in ClinVar:

ClinVar aggregate classification (germline): Uncertain significance (1 of 4 stars; one submission).

Conditions:
Familial hypercholesterolemia. Also called: Familial hypercholesterolaemia. Identifiers: MedGen C0020445, MONDO:0005439.

Allele frequency attached by ClinVar (database versions not stated): gnomAD exomes below 0.00001; ExAC 0.00001.
gnomAD v4.1: 2 of 1,613,988 alleles (0.00012%); highest among the groups gnomAD compares: South Asian, 0.0022%; no homozygotes.

Submission:

Color Diagnostics, LLC DBA Color Health
Classification: Uncertain significance for Familial hypercholesterolemia. Last evaluated: 2023-12-05. Review status: criteria provided, single submitter. Criteria: ACMG Guidelines, 2015. Collection method: clinical testing. Allele origin: germline.
Comment: This missense variant replaces threonine with isoleucine at codon 641 of the PCSK9 protein. Computational prediction tools and conservation analyses suggest that this variant may not impact the protein function. Computational splicing tools suggest that this variant may not impact RNA splicing. To our knowledge, functional assays have not been performed for this variant nor has this variant been reported in individuals affected with familial hypercholesterolemia in the literature. This variant has been identified in 1/249244 chromosomes in the general population by the Genome Aggregation Database (gnomAD). Available evidence is insufficient to determine the role of this variant in disease conclusively. Therefore, this variant is classified as a Variant of Uncertain Significance.

NM_174936.4(PCSK9):c.1922C>T (p.Thr641Ile)

Gene: PCSK9 (proprotein convertase subtilisin/kexin type 9; plus strand). Cytogenetic location: 1p32.3.
Variant type: single nucleotide variant.
Coding change: c.1922C>T on transcript NM_174936.4 (MANE Select); coding-DNA position 1922, C replaced by T.
Protein change: p.Thr641Ile; replaces threonine 641 with isoleucine.
Molecular consequence: missense variant.
Genome position (GRCh38, 1-based): chr1:55,063,427, C>T. VCF-style: chr1-55063427-C-T. GRCh37 (hg19) VCF-style: chr1-55529100-C-T.
Other names: c.2045C>T, p.Thr682Ile (NM_001407240.1); c.1964C>T, p.Thr655Ile (NM_001407241.1); c.1925C>T, p.Thr642Ile (NM_001407242.1); c.1865C>T, p.Thr622Ile (NM_001407243.1); c.1748C>T, p.Thr583Ile (NM_001407244.1); c.1730C>T, p.Thr577Ile (NM_001407245.1); c.1547C>T, p.Thr516Ile (NM_001407246.1); c.1421C>T, p.Thr474Ile (NM_001407247.1); short protein forms T641I, T474I, T583I, T642I, T577I, T682I, T516I, T622I.
Identifiers: ClinVar variation 630171 (VCV000630171.7), dbSNP rs763903895, ClinGen allele CA039674.